The following is an entry in ClinVar:

NM_001453.3(FOXC1):c.1464GGC[7] (p.Ala495dup)

Gene: FOXC1 (forkhead box C1; plus strand). Cytogenetic location: 6p25.3.
Variant type: Microsatellite.
Coding change: c.1464GGC[7] on transcript NM_001453.3 (MANE Select); seven copies in a row of the 3-base unit GGC starting at c.1464; the reference has six copies in a row; one copy, 3 bases duplicated.
Protein change: p.Ala495dup; duplicates alanine 495.
Molecular consequence: inframe insertion.
Genome position (GRCh38, 1-based): chr6:1,611,924-1,611,926, GGC duplicated; duplicating any 3 consecutive bases within chr6:1,611,907-1,611,926 gives the same sequence; the position shown is the placement nearest the transcript's 3' end. VCF-style (leftmost placement, unchanged base first): chr6-1611906-C-CGCG. GRCh37 (hg19) VCF-style: chr6-1612141-C-CGCG.
Other names: c.1479_1481dupGGC (NM_001453.2).
Identifiers: ClinVar variation 1302331 (VCV001302331.16), dbSNP rs747574884, ClinGen allele CA3614899.

ClinVar aggregate classification (germline): Conflicting classifications of pathogenicity. Review status: criteria provided, conflicting classifications (1 of 4 stars). 4 submissions from 4 submitters: Uncertain significance (3); Likely benign (1). Last evaluated 2026-01-21.

Conditions:
Axenfeld-Rieger syndrome type 3 (RIEG3). Also called: AXENFELD-RIEGER ANOMALY WITH CARDIAC DEFECTS AND/OR SENSORINEURAL HEARING LOSS. Identifiers: Orphanet 782, MedGen C2678503, MONDO:0011233, OMIM 602482.
FOXC1-related disorder. Also called: FOXC1-related condition.

Submissions (4):

Labcorp Genetics (formerly Invitae), Labcorp
Classification: Uncertain significance for Axenfeld-Rieger syndrome type 3. Last evaluated: 2026-01-21. Review status: criteria provided, single submitter. Criteria: Invitae Variant Classification Sherloc (09022015). Collection method: clinical testing. Allele origin: germline.
Comment: This variant, c.1479_1481dup, results in the insertion of 1 amino acid(s) of the FOXC1 protein (p.Ala495dup), but otherwise preserves the integrity of the reading frame. This variant is present in population databases (rs747574884, gnomAD 0.04%), and has an allele count higher than expected for a pathogenic variant. This variant has not been reported in the literature in individuals affected with FOXC1-related conditions. ClinVar contains an entry for this variant (Variation ID: 1302331). Experimental studies and prediction algorithms are not available or were not evaluated, and the functional significance of this variant is currently unknown. In summary, the available evidence is currently insufficient to determine the role of this variant in disease. Therefore, it has been classified as a Variant of Uncertain Significance.

CeGaT Center for Human Genetics Tuebingen
Classification: Likely benign. Last evaluated: 2025-08-01. Review status: criteria provided, single submitter. Criteria: CeGaT Center For Human Genetics Tuebingen Variant Classification Criteria Version 2. Collection method: clinical testing. Allele origin: germline. Affected: yes. Observed: 1 variant allele.
Comment: FOXC1: BS2

PreventionGenetics, part of Exact Sciences
Classification: Uncertain significance for FOXC1-related condition. Last evaluated: 2022-10-20. Review status: criteria provided, single submitter. Criteria: ACMG Guidelines, 2015. Collection method: clinical testing. Allele origin: germline.
Comment: The FOXC1 c.1479_1481dupGGC variant is predicted to result in an in-frame duplication (p.Ala495dup). To our knowledge, this variant has not been reported in the literature. This variant is reported in 0.044% of alleles in individuals of European (Non-Finnish) descent in gnomAD, which may be too common to be an undocumented, primary cause of disease. Although we suspect that this variant may be benign, at this time, the clinical significance of this variant is uncertain due to the absence of conclusive functional and genetic evidence.

GeneDx
Classification: Uncertain significance. Last evaluated: 2019-12-23. Review status: criteria provided, single submitter. Criteria: GeneDx Variant Classification Process June 2021. Collection method: clinical testing. Allele origin: germline. Affected: yes.
Comment: Has not been previously published as pathogenic or benign to our knowledge